The following is an entry in ClinVar:

NM_001379500.1(COL18A1):c.3743G>A (p.Gly1248Asp)

Genes: COL18A1 (collagen type XVIII alpha 1 chain; plus strand), SLC19A1 (solute carrier family 19 member 1; minus strand). Cytogenetic location: 21q22.3.
Variant type: single nucleotide variant.
Coding change: c.3743G>A on transcript NM_001379500.1 (MANE Select); coding-DNA position 3743, G replaced by A.
Protein change: p.Gly1248Asp; replaces glycine 1248 with aspartic acid.
Molecular consequence: missense variant.
Genome position (GRCh38, 1-based): chr21:45,511,160, G>A. VCF-style: chr21-45511160-G-A. GRCh37 (hg19) VCF-style: chr21-46931074-G-A.
Other names: c.4274G>A, p.Gly1425Asp (NM_030582.4); c.4979G>A, p.Gly1660Asp (NM_130444.3); short protein forms G1425D, G1660D, G1248D.
Identifiers: ClinVar variation 1427408 (VCV001427408.4), dbSNP rs373537140, ClinGen allele CA10068057.

ClinVar aggregate classification (germline): Uncertain significance (1 of 4 stars; one submission).

Allele frequency attached by ClinVar (database versions not stated): gnomAD 0.00001; TOPMed 0.00002; gnomAD exomes 0.00004 and 0.00006; ExAC 0.00008; ESP Exome Variant Server 0.00008.
gnomAD v4.1: 61 of 1,601,184 alleles (0.0038%); highest among the groups gnomAD compares: Non-Finnish European, 0.0049%; no homozygotes.

Submission:

Labcorp Genetics (formerly Invitae), Labcorp
Classification: Uncertain significance. Last evaluated: 2023-09-04. Review status: criteria provided, single submitter. Criteria: Invitae Variant Classification Sherloc (09022015). Collection method: clinical testing. Allele origin: germline.
Comment: ClinVar contains an entry for this variant (Variation ID: 1427408). This variant has not been reported in the literature in individuals affected with COL18A1-related conditions. This variant is present in population databases (rs373537140, gnomAD 0.01%). This sequence change replaces glycine, which is neutral and non-polar, with aspartic acid, which is acidic and polar, at codon 1245 of the COL18A1 protein (p.Gly1245Asp). Experimental studies and prediction algorithms are not available or were not evaluated, and the functional significance of this variant is currently unknown. In summary, the available evidence is currently insufficient to determine the role of this variant in disease. Therefore, it has been classified as a Variant of Uncertain Significance.